The following is an entry in ClinVar:

NM_024675.4(PALB2):c.1991T>C (p.Met664Thr)

Gene: PALB2 (partner and localizer of BRCA2; minus strand). Cytogenetic location: 16p12.2.
Variant type: single nucleotide variant.
Coding change: c.1991T>C on transcript NM_024675.4 (MANE Select); coding-DNA position 1991, T replaced by C.
Protein change: p.Met664Thr; replaces methionine 664 with threonine.
Molecular consequence: missense variant.
Genome position (GRCh38, 1-based): chr16:23,630,163, A>G on the plus strand (T>C on the coding strand, the complement: PALB2 is on the minus strand). VCF-style: chr16-23630163-A-G. GRCh37 (hg19) VCF-style: chr16-23641484-A-G.
Other names: short protein forms M664T.
Identifiers: ClinVar variation 460922 (VCV000460922.15), dbSNP rs945657254, ClinGen allele CA279493080.

ClinVar aggregate classification (germline): Uncertain significance. Review status: criteria provided, multiple submitters, no conflicts (2 of 4 stars). 3 submissions from 3 submitters: Uncertain significance (3). Last evaluated 2025-10-02.

Conditions:
Hereditary cancer-predisposing syndrome. Also called: Neoplastic Syndromes, Hereditary; Hereditary Cancer Syndrome; Hereditary neoplastic syndrome; Tumor predisposition. Identifiers: Orphanet 140162, MedGen C0027672, MeSH D009386, MONDO:0015356.
Familial cancer of breast. Also called: BREAST CANCER, FAMILIAL; Hereditary breast cancer; hereditary breast carcinoma. Identifiers: Orphanet 227535, MedGen C0346153, MONDO:0016419, OMIM 114480. Disease mechanism: loss of function.

gnomAD v4.1: 1 of 1,614,178 alleles (0.000062%); highest among the groups gnomAD compares: Non-Finnish European, 0.000085%; no homozygotes.

Submissions (3):

Ambry Genetics
Classification: Uncertain significance for Hereditary cancer-predisposing syndrome. Last evaluated: 2025-10-02. Review status: criteria provided, single submitter. Criteria: Ambry Variant Classification Scheme 2023. Collection method: clinical testing. Allele origin: germline.
Comment: The p.M664T variant (also known as c.1991T>C), located in coding exon 5 of the PALB2 gene, results from a T to C substitution at nucleotide position 1991. The methionine at codon 664 is replaced by threonine, an amino acid with similar properties. This amino acid position is poorly conserved in available vertebrate species. In addition, this alteration is predicted to be tolerated by in silico analysis. Since supporting evidence is limited at this time, the clinical significance of this alteration remains unclear.

Labcorp Genetics (formerly Invitae), Labcorp
Classification: Uncertain significance for Familial cancer of breast. Last evaluated: 2024-04-23. Review status: criteria provided, single submitter. Criteria: Invitae Variant Classification Sherloc (09022015). Collection method: clinical testing. Allele origin: germline.
Comment: This sequence change replaces methionine, which is neutral and non-polar, with threonine, which is neutral and polar, at codon 664 of the PALB2 protein (p.Met664Thr). This variant is not present in population databases (gnomAD no frequency). This variant has not been reported in the literature in individuals affected with PALB2-related conditions. ClinVar contains an entry for this variant (Variation ID: 460922). Advanced modeling of protein sequence and biophysical properties (such as structural, functional, and spatial information, amino acid conservation, physicochemical variation, residue mobility, and thermodynamic stability) performed at Invitae indicates that this missense variant is not expected to disrupt PALB2 protein function with a negative predictive value of 80%. In summary, the available evidence is currently insufficient to determine the role of this variant in disease. Therefore, it has been classified as a Variant of Uncertain Significance.

Color Diagnostics, LLC DBA Color Health
Classification: Uncertain significance for Hereditary cancer-predisposing syndrome. Last evaluated: 2023-11-06. Review status: criteria provided, single submitter. Criteria: ACMG Guidelines, 2015. Collection method: clinical testing. Allele origin: germline.
Comment: This missense variant replaces methionine with threonine at codon 664 of the PALB2 protein. Computational prediction suggests that this variant may not impact protein structure and function (internally defined REVEL score threshold <= 0.5, PMID: 27666373). To our knowledge, functional studies have not been reported for this variant. This variant has not been reported in individuals affected with PALB2-related disorders in the literature. This variant has not been identified in the general population by the Genome Aggregation Database (gnomAD). The available evidence is insufficient to determine the role of this variant in disease conclusively. Therefore, this variant is classified as a Variant of Uncertain Significance.